The following is an entry in ClinVar:

NM_153212.3(GJB4):c.238C>T (p.Gln80Ter)

Gene: GJB4 (gap junction protein beta 4; plus strand). Cytogenetic location: 1p34.3.
Variant type: single nucleotide variant.
Coding change: c.238C>T on transcript NM_153212.3 (MANE Select); coding-DNA position 238, C replaced by T.
Protein change: p.Gln80Ter; replaces glutamine 80 with a stop codon.
Molecular consequence: nonsense.
Genome position (GRCh38, 1-based): chr1:34,761,492, C>T. VCF-style: chr1-34761492-C-T. GRCh37 (hg19) VCF-style: chr1-35227093-C-T.
Other names: short protein forms Q80*.
Identifiers: ClinVar variation 783282 (VCV000783282.12), dbSNP rs114429815, ClinGen allele CA754521.

ClinVar aggregate classification (germline): Benign/Likely benign. Review status: criteria provided, multiple submitters, no conflicts (2 of 4 stars). 4 submissions from 4 submitters: Benign (2); Likely benign (1). 1 of the submissions does not count toward it. Last evaluated 2026-01-23.

Conditions:
Erythrokeratodermia variabilis et progressiva 2 (EKVP2). Identifiers: MedGen C4479618, MONDO:0033012, OMIM 617524.
GJB4-related disorder. Also called: GJB4-related condition.

Allele frequency attached by ClinVar (database versions not stated): ESP Exome Variant Server 0.01146; gnomAD exomes 0.00214; TOPMed 0.00986; 1000 Genomes Project 0.01038; 1000 Genomes Project 30x 0.01156; ExAC 0.00285; gnomAD 0.00851.

Submissions (4):

Labcorp Genetics (formerly Invitae), Labcorp
Classification: Benign. Last evaluated: 2026-01-23. Review status: criteria provided, single submitter. Criteria: Invitae Variant Classification Sherloc (09022015). Collection method: clinical testing. Allele origin: germline.

Fulgent Genetics
Classification: Likely benign for Erythrokeratodermia variabilis et progressiva 2. Last evaluated: 2021-08-24. Review status: criteria provided, single submitter. Criteria: ACMG Guidelines, 2015. Collection method: clinical testing. Allele origin: unknown.

Breakthrough Genomics
Classification: Benign. Review status: criteria provided, single submitter. Criteria: ACMG Guidelines, 2015. Collection method: not provided. Allele origin: germline. Inheritance: Autosomal dominant inheritance. Affected: yes.

PreventionGenetics, part of Exact Sciences
Classification: Likely benign for GJB4-related condition. Last evaluated: 2020-02-21. Review status: no assertion criteria provided. Collection method: clinical testing. Allele origin: germline. Not counted in ClinVar's aggregate classification.
Comment: This variant is classified as likely benign based on ACMG/AMP sequence variant interpretation guidelines (Richards et al. 2015 PMID: 25741868, with internal and published modifications).